The following is an entry in ClinVar:

NM_206933.4(USH2A):c.11821C>G (p.Arg3941Gly)

Gene: USH2A (usherin; minus strand). Cytogenetic location: 1q41.
Variant type: single nucleotide variant.
Coding change: c.11821C>G on transcript NM_206933.4 (MANE Select); coding-DNA position 11821, C replaced by G.
Protein change: p.Arg3941Gly; replaces arginine 3941 with glycine.
Molecular consequence: missense variant.
Genome position (GRCh38, 1-based): chr1:215,728,275, G>C on the plus strand (C>G on the coding strand, the complement: USH2A is on the minus strand). VCF-style: chr1-215728275-G-C. GRCh37 (hg19) VCF-style: chr1-215901617-G-C.
Other names: short protein forms R3941G.
Identifiers: ClinVar variation 1053824 (VCV001053824.6), dbSNP rs749942414, ClinGen allele CA344829133.

ClinVar aggregate classification (germline): Uncertain significance (1 of 4 stars; one submission).

Submission:

Labcorp Genetics (formerly Invitae), Labcorp
Classification: Uncertain significance. Last evaluated: 2021-08-30. Review status: criteria provided, single submitter. Criteria: Invitae Variant Classification Sherloc (09022015). Collection method: clinical testing. Allele origin: germline.
Comment: This sequence change replaces arginine with glycine at codon 3941 of the USH2A protein (p.Arg3941Gly). The arginine residue is highly conserved and there is a moderate physicochemical difference between arginine and glycine. This variant is not present in population databases (ExAC no frequency). This variant has not been reported in the literature in individuals affected with USH2A-related conditions. Algorithms developed to predict the effect of missense changes on protein structure and function (SIFT, PolyPhen-2, Align-GVGD) all suggest that this variant is likely to be disruptive. In summary, the available evidence is currently insufficient to determine the role of this variant in disease. Therefore, it has been classified as a Variant of Uncertain Significance.